The following is an entry in ClinVar:

ClinVar aggregate classification (germline): Uncertain significance. Review status: criteria provided, multiple submitters, no conflicts (2 of 4 stars). 4 submissions from 4 submitters: Uncertain significance (4). Last evaluated 2025-12-08.

Conditions:
Aortic aneurysm, familial thoracic 7 (AAT7). Also called: AORTIC DISSECTION, FAMILIAL, WITH OR WITHOUT AORTIC ANEURYSM. Identifiers: MedGen C3151077, MONDO:0013418, OMIM 613780.
Megacystis-microcolon-intestinal hypoperistalsis syndrome 1. Identifiers: MedGen C5542316, MONDO:0100354, OMIM 249210.
Familial thoracic aortic aneurysm and aortic dissection (TAAD). Also called: Thoracic aortic aneurysms and dissections. Identifiers: Orphanet 91387, MedGen C4707243, MONDO:0019625.

Allele frequency attached by ClinVar (database versions not stated): ExAC 0.00002; gnomAD exomes 0.00002 and 0.00004; gnomAD 0.00003; TOPMed 0.00003.
gnomAD v4.1: 62 of 1,613,796 alleles (0.0038%); highest among the groups gnomAD compares: Middle Eastern, 0.016%; no homozygotes.

Submissions (4):

Labcorp Genetics (formerly Invitae), Labcorp
Classification: Uncertain significance for Aortic aneurysm, familial thoracic 7. Last evaluated: 2025-12-08. Review status: criteria provided, single submitter. Criteria: Invitae Variant Classification Sherloc (09022015). Collection method: clinical testing. Allele origin: germline.
Comment: This sequence change replaces glutamic acid, which is acidic and polar, with lysine, which is basic and polar, at codon 1045 of the MYLK protein (p.Glu1045Lys). This variant is present in population databases (rs773540567, gnomAD 0.005%). This variant has not been reported in the literature in individuals affected with MYLK-related conditions. ClinVar contains an entry for this variant (Variation ID: 571340). Invitae Evidence Modeling of protein sequence and biophysical properties (such as structural, functional, and spatial information, amino acid conservation, physicochemical variation, residue mobility, and thermodynamic stability) indicates that this missense variant is not expected to disrupt MYLK protein function with a negative predictive value of 80%. In summary, the available evidence is currently insufficient to determine the role of this variant in disease. Therefore, it has been classified as a Variant of Uncertain Significance.

Ambry Genetics
Classification: Uncertain significance for Familial thoracic aortic aneurysm and aortic dissection. Last evaluated: 2025-06-28. Review status: criteria provided, single submitter. Criteria: Ambry Variant Classification Scheme 2023. Collection method: clinical testing. Allele origin: germline.
Comment: The p.E1045K variant (also known as c.3133G>A), located in coding exon 15 of the MYLK gene, results from a G to A substitution at nucleotide position 3133. The glutamic acid at codon 1045 is replaced by lysine, an amino acid with similar properties. This amino acid position is not well conserved in available vertebrate species, and lysine is the reference amino acid in other vertebrate species. In addition, the in silico prediction for this alteration is inconclusive. Since supporting evidence is limited at this time, the clinical significance of this alteration remains unclear.

GeneDx
Classification: Uncertain significance. Last evaluated: 2023-03-23. Review status: criteria provided, single submitter. Criteria: GeneDx Variant Classification Process June 2021. Collection method: clinical testing. Allele origin: germline. Affected: yes.
Comment: Has not been previously published as pathogenic or benign to our knowledge; In silico analysis supports that this missense variant does not alter protein structure/function

Fulgent Genetics
Classification: Uncertain significance for Megacystis-microcolon-intestinal hypoperistalsis syndrome 1; Aortic aneurysm, familial thoracic 7. Last evaluated: 2021-09-03. Review status: criteria provided, single submitter. Criteria: ACMG Guidelines, 2015. Collection method: clinical testing. Allele origin: unknown.

NM_053025.4(MYLK):c.3133G>A (p.Glu1045Lys)

Gene: MYLK (myosin light chain kinase; minus strand). Cytogenetic location: 3q21.1.
Variant type: single nucleotide variant.
Coding change: c.3133G>A on transcript NM_053025.4 (MANE Select); coding-DNA position 3133, G replaced by A.
Protein change: p.Glu1045Lys; replaces glutamic acid 1045 with lysine.
Molecular consequence: missense variant.
Genome position (GRCh38, 1-based): chr3:123,700,335, C>T on the plus strand (G>A on the coding strand, the complement: MYLK is on the minus strand). VCF-style: chr3-123700335-C-T. GRCh37 (hg19) VCF-style: chr3-123419182-C-T.
Other names: c.2605G>A, p.Glu869Lys (NM_001321309.2); c.2926G>A, p.Glu976Lys (NM_053026.4, NM_053028.4); c.3133G>A, p.Glu1045Lys (NM_053027.4); short protein forms E1045K, E976K, E869K.
Identifiers: ClinVar variation 571340 (VCV000571340.11), dbSNP rs773540567, ClinGen allele CA069405.